The following is an entry in ClinVar:

ClinVar aggregate classification (germline): Likely pathogenic (0 of 4 stars; one submission).

Conditions:
SPG11-related disorder. Also called: SPG11-related condition.

Submission:

PreventionGenetics, part of Exact Sciences
Classification: Likely pathogenic for SPG11-related condition. Last evaluated: 2023-12-06. Review status: no assertion criteria provided. Collection method: clinical testing. Allele origin: germline.
Comment: The SPG11 c.6205+2T>C variant is predicted to disrupt the GT donor site and interfere with normal splicing. To our knowledge, this variant has not been reported in the literature or in a large population database, indicating this variant is rare. Variants that disrupt the consensus splice donor site in SPG11 are expected to be pathogenic. This variant is interpreted as likely pathogenic.

NM_025137.4(SPG11):c.6205+2T>C

Gene: SPG11 (SPG11 vesicle trafficking associated, spatacsin; minus strand). Cytogenetic location: 15q21.1.
Variant type: single nucleotide variant.
Coding change: c.6205+2T>C on transcript NM_025137.4 (MANE Select); the canonical splice donor site of the intron after coding-DNA position 6205, T replaced by C.
Molecular consequence: splice donor variant. On other transcripts: intron variant (1).
Genome position (GRCh38, 1-based): chr15:44,573,545, A>G on the plus strand (T>C on the coding strand, the complement: SPG11 is on the minus strand). VCF-style: chr15-44573545-A-G. GRCh37 (hg19) VCF-style: chr15-44865743-A-G.
Other names: c.6061+2T>C (NM_001411132.1); c.5867-725T>C (NM_001160227.2).
Identifiers: ClinVar variation 2633444 (VCV002633444.3), dbSNP rs2505229146, ClinGen allele CA392218088.